The following is an entry in ClinVar:

NM_002850.4(PTPRS):c.4137G>A (p.Ala1379=)

Gene: PTPRS (protein tyrosine phosphatase receptor type S; minus strand). Cytogenetic location: 19p13.3.
Variant type: single nucleotide variant.
Coding change: c.4137G>A on transcript NM_002850.4 (MANE Select); coding-DNA position 4137, G replaced by A.
Protein change: p.Ala1379=; no amino-acid change (alanine 1379 retained).
Molecular consequence: synonymous variant.
Genome position (GRCh38, 1-based): chr19:5,215,555, C>T on the plus strand (G>A on the coding strand, the complement: PTPRS is on the minus strand). VCF-style: chr19-5215555-C-T. GRCh37 (hg19) VCF-style: chr19-5215566-C-T.
Other names: c.4071G>A, p.Ala1357= (NM_001394011.1); c.4050G>A, p.Ala1350= (NM_001394012.1); c.4011G>A, p.Ala1337= (NM_001394013.1); c.2796G>A, p.Ala932= (NM_130853.3); c.4023G>A, p.Ala1341= (NM_130854.3); c.2808G>A, p.Ala936= (NM_130855.3).
Identifiers: ClinVar variation 3033964 (VCV003033964.2), dbSNP rs111918827, ClinGen allele CA9109252.

ClinVar aggregate classification (germline): Likely benign (0 of 4 stars; one submission).

Conditions:
PTPRS-related disorder. Also called: PTPRS-related condition.

Allele frequency attached by ClinVar (database versions not stated): gnomAD exomes 0.00010; ExAC 0.00024; 1000 Genomes Project 30x 0.00062; 1000 Genomes Project 0.00080; TOPMed 0.00095; gnomAD 0.00098; ESP Exome Variant Server 0.00138.
gnomAD v4.1: 308 of 1,611,322 alleles (0.019%); highest among the groups gnomAD compares: African/African-American, 0.32%; 1 homozygote.

Submission:

PreventionGenetics, part of Exact Sciences
Classification: Likely benign for PTPRS-related condition. Last evaluated: 2019-06-17. Review status: no assertion criteria provided. Collection method: clinical testing. Allele origin: germline.
Comment: This variant is classified as likely benign based on ACMG/AMP sequence variant interpretation guidelines (Richards et al. 2015 PMID: 25741868, with internal and published modifications).